The following is an entry in ClinVar:

ClinVar aggregate classification (germline): Benign (1 of 4 stars; one submission).

Conditions:
Tuberous sclerosis 1 (TSC1). Identifiers: Orphanet 805, MedGen C1854465, MONDO:0008612, OMIM 191100.

Submission:

Myriad Genetics, Inc.
Classification: Benign for Tuberous sclerosis 1. Last evaluated: 2025-04-24. Review status: criteria provided, single submitter. Criteria: Myriad Autosomal Dominant, Autosomal Recessive and X-Linked Classification Criteria (2023). Collection method: clinical testing. Allele origin: unknown.
Comment: This variant is considered benign. This variant is a silent/synonymous amino acid change and it is not expected to impact splicing.

NM_000368.5(TSC1):c.2298G>A (p.Glu766=)

Gene: TSC1 (TSC complex subunit 1; minus strand). Cytogenetic location: 9q34.13.
Variant type: single nucleotide variant.
Coding change: c.2298G>A on transcript NM_000368.5 (MANE Select); coding-DNA position 2298, G replaced by A.
Protein change: p.Glu766=; no amino-acid change (glutamic acid 766 retained).
Molecular consequence: synonymous variant. On other transcripts: non-coding transcript variant (5).
Genome position (GRCh38, 1-based): chr9:132,902,698, C>T on the plus strand (G>A on the coding strand, the complement: TSC1 is on the minus strand). VCF-style: chr9-132902698-C-T. GRCh37 (hg19) VCF-style: chr9-135778085-C-T.
Other names: c.1935G>A, p.Glu645= (NM_001406614.1, NM_001406615.1, NM_001406616.1 and 5 more transcripts); c.1932G>A, p.Glu644= (NM_001406620.1, NM_001406621.1, NM_001406622.1 and 2 more transcripts); c.1347G>A, p.Glu449= (NM_001406626.1); c.1344G>A, p.Glu448= (NM_001406627.1, NM_001406628.1); c.1245G>A, p.Glu415= (NM_001406629.1, NM_001406630.1); c.2295G>A, p.Glu765= (NM_001162426.2, NM_001406597.1, NM_001406598.1 and 4 more transcripts); c.2145G>A, p.Glu715= (NM_001162427.2, NM_001406610.1); c.2298G>A, p.Glu766= (NM_001406592.1, NM_001406593.1, NM_001406594.1 and 5 more transcripts); and 3 more.
Identifiers: ClinVar variation 4071018 (VCV004071018.1).